The following is an entry in ClinVar:

NM_024529.5(CDC73):c.703A>G (p.Thr235Ala)

Gene: CDC73 (cell division cycle 73; plus strand). Cytogenetic location: 1q31.2.
Variant type: single nucleotide variant.
Coding change: c.703A>G on transcript NM_024529.5 (MANE Select); coding-DNA position 703, A replaced by G.
Protein change: p.Thr235Ala; replaces threonine 235 with alanine.
Molecular consequence: missense variant.
Genome position (GRCh38, 1-based): chr1:193,142,040, A>G. VCF-style: chr1-193142040-A-G. GRCh37 (hg19) VCF-style: chr1-193111170-A-G.
Other names: short protein forms T235A.
Identifiers: ClinVar variation 1485689 (VCV001485689.6), dbSNP rs2103126444, ClinGen allele CA343962801.

ClinVar aggregate classification (germline): Uncertain significance (1 of 4 stars; one submission).

Conditions:
Parathyroid carcinoma (PRTC). Also called: Parathyroid gland carcinoma; CDC73-Related Parathyroid Carcinoma. Identifiers: Orphanet 143, MedGen C0687150, MONDO:0012004, OMIM 608266, HP:0006780.

Submission:

Labcorp Genetics (formerly Invitae), Labcorp
Classification: Uncertain significance for Parathyroid carcinoma. Last evaluated: 2021-10-09. Review status: criteria provided, single submitter. Criteria: Invitae Variant Classification Sherloc (09022015). Collection method: clinical testing. Allele origin: germline.
Comment: This variant has not been reported in the literature in individuals affected with CDC73-related conditions. In summary, the available evidence is currently insufficient to determine the role of this variant in disease. Therefore, it has been classified as a Variant of Uncertain Significance. Algorithms developed to predict the effect of missense changes on protein structure and function (SIFT, PolyPhen-2, Align-GVGD) all suggest that this variant is likely to be tolerated. This variant is not present in population databases (ExAC no frequency). This sequence change replaces threonine with alanine at codon 235 of the CDC73 protein (p.Thr235Ala). The threonine residue is highly conserved and there is a small physicochemical difference between threonine and alanine.